The following is an entry in ClinVar:

NM_212482.4(FN1):c.470C>T (p.Pro157Leu)

Gene: FN1 (fibronectin 1; minus strand). Cytogenetic location: 2q35.
Variant type: single nucleotide variant.
Coding change: c.470C>T on transcript NM_212482.4 (MANE Select); coding-DNA position 470, C replaced by T.
Protein change: p.Pro157Leu; replaces proline 157 with leucine.
Molecular consequence: missense variant.
Genome position (GRCh38, 1-based): chr2:215,431,910, G>A on the plus strand (C>T on the coding strand, the complement: FN1 is on the minus strand). VCF-style: chr2-215431910-G-A. GRCh37 (hg19) VCF-style: chr2-216296633-G-A.
Other names: c.470C>T, p.Pro157Leu (NM_001365520.2, NM_001365521.2, NM_001365522.2 and 14 more transcripts); short protein forms P157L.
Identifiers: ClinVar variation 4534763 (VCV004534763.6).

ClinVar aggregate classification (germline): Uncertain significance (1 of 4 stars; one submission).

gnomAD v4.1: 8 of 1,613,662 alleles (0.0005%); highest among the groups gnomAD compares: Admixed American, 0.0017%; no homozygotes.

Submission:

CeGaT Center for Human Genetics Tuebingen
Classification: Uncertain significance. Last evaluated: 2025-11-01. Review status: criteria provided, single submitter. Criteria: CeGaT Center For Human Genetics Tuebingen Variant Classification Criteria Version 2. Collection method: clinical testing. Allele origin: germline. Affected: yes. Observed: 1 variant allele.
Comment: FN1: PP2